The following is an entry in ClinVar:

ClinVar aggregate classification (germline): Uncertain significance (1 of 4 stars; one submission).

Allele frequency attached by ClinVar (database versions not stated): gnomAD exomes below 0.00001 and 0.00002; ExAC 0.00001; gnomAD 0.00001; TOPMed 0.00001; ESP Exome Variant Server 0.00008.
gnomAD v4.1: 34 of 1,543,474 alleles (0.0022%); highest among the groups gnomAD compares: Non-Finnish European, 0.003%; no homozygotes.

Submission:

Labcorp Genetics (formerly Invitae), Labcorp
Classification: Uncertain significance. Last evaluated: 2022-01-14. Review status: criteria provided, single submitter. Criteria: Invitae Variant Classification Sherloc (09022015). Collection method: clinical testing. Allele origin: germline.
Comment: In summary, the available evidence is currently insufficient to determine the role of this variant in disease. Therefore, it has been classified as a Variant of Uncertain Significance. Algorithms developed to predict the effect of missense changes on protein structure and function (SIFT, PolyPhen-2, Align-GVGD) all suggest that this variant is likely to be tolerated. ClinVar contains an entry for this variant (Variation ID: 1036507). This variant has not been reported in the literature in individuals affected with PDE6C-related conditions. This variant is present in population databases (rs374898557, gnomAD 0.007%). This sequence change replaces asparagine, which is neutral and polar, with threonine, which is neutral and polar, at codon 316 of the PDE6C protein (p.Asn316Thr).

NM_006204.4(PDE6C):c.947A>C (p.Asn316Thr)

Gene: PDE6C (phosphodiesterase 6C; plus strand). Cytogenetic location: 10q23.33.
Variant type: single nucleotide variant.
Coding change: c.947A>C on transcript NM_006204.4 (MANE Select); coding-DNA position 947, A replaced by C.
Protein change: p.Asn316Thr; replaces asparagine 316 with threonine.
Molecular consequence: missense variant.
Genome position (GRCh38, 1-based): chr10:93,626,647, A>C. VCF-style: chr10-93626647-A-C. GRCh37 (hg19) VCF-style: chr10-95386404-A-C.
Other names: short protein forms N316T.
Identifiers: ClinVar variation 1036507 (VCV001036507.10), dbSNP rs374898557, ClinGen allele CA5610002.